The following is an entry in ClinVar:

NM_172364.5(CACNA2D4):c.1068+13G>A

Gene: CACNA2D4 (calcium voltage-gated channel auxiliary subunit alpha2delta 4; minus strand). Cytogenetic location: 12p13.33.
Variant type: single nucleotide variant.
Coding change: c.1068+13G>A on transcript NM_172364.5 (MANE Select); 13 bases into the intron after coding-DNA position 1068, G replaced by A.
Molecular consequence: intron variant.
Genome position (GRCh38, 1-based): chr12:1,885,952, C>T on the plus strand (G>A on the coding strand, the complement: CACNA2D4 is on the minus strand). VCF-style: chr12-1885952-C-T. GRCh37 (hg19) VCF-style: chr12-1995118-C-T.
Identifiers: ClinVar variation 262808 (VCV000262808.16), dbSNP rs61386831, ClinGen allele CA6387295.

ClinVar aggregate classification (germline): Benign. Review status: criteria provided, multiple submitters, no conflicts (2 of 4 stars). 5 submissions from 5 submitters: Benign (5). Last evaluated 2026-02-01.

Conditions:
Retinal cone dystrophy 4 (RCD4). Identifiers: Orphanet 1872, MedGen C1864849, MONDO:0012507, OMIM 610478.

Allele frequency attached by ClinVar (database versions not stated): gnomAD exomes 0.09962 and 0.10242; 1000 Genomes Project 0.11162; 1000 Genomes Project 30x 0.11477; ExAC 0.11957; TOPMed 0.12137; ESP Exome Variant Server 0.12257; gnomAD 0.12344 and 0.12491.
gnomAD v4.1: 167,181 of 1,600,026 alleles (10%); highest among the groups gnomAD compares: African/African-American, 19%; 9,656 homozygotes.

Submissions (5):

Labcorp Genetics (formerly Invitae), Labcorp
Classification: Benign. Last evaluated: 2026-02-01. Review status: criteria provided, single submitter. Criteria: Invitae Variant Classification Sherloc (09022015). Collection method: clinical testing. Allele origin: germline.

Blueprint Genetics
Classification: Benign. Last evaluated: 2024-11-27. Review status: criteria provided, single submitter. Criteria: ACMG Guidelines, 2015. Collection method: clinical testing. Allele origin: germline.

Illumina Laboratory Services, Illumina
Classification: Benign for Retinal cone dystrophy 4. Last evaluated: 2018-01-12. Review status: criteria provided, single submitter. Criteria: ICSL Variant Classification Criteria 13 December 2019. Collection method: clinical testing. Allele origin: germline.
Comment: This variant was observed in the ICSL laboratory as part of a predisposition screen in an ostensibly healthy population. It had not been previously curated by ICSL or reported in the Human Gene Mutation Database (HGMD: prior to June 1st, 2018), and was therefore a candidate for classification through an automated scoring system. Utilizing variant allele frequency, disease prevalence and penetrance estimates, and inheritance mode, an automated score was calculated to assess if this variant is too frequent to cause the disease. Based on the score and internal cut-off values, a variant classified as benign is not then subjected to further curation. The score for this variant resulted in a classification of benign for this disease.

Breakthrough Genomics
Classification: Benign. Review status: criteria provided, single submitter. Criteria: ACMG Guidelines, 2015. Collection method: not provided. Allele origin: germline. Inheritance: Autosomal recessive inheritance. Affected: yes.

PreventionGenetics, part of Exact Sciences
Classification: Benign. Review status: criteria provided, single submitter. Criteria: ACMG Guidelines, 2015. Collection method: clinical testing. Allele origin: germline.